The following is an entry in ClinVar:

ClinVar aggregate classification (germline): Uncertain significance (1 of 4 stars; one submission).

gnomAD v4.1: 6 of 1,614,214 alleles (0.00037%); highest among the groups gnomAD compares: South Asian, 0.0055%; no homozygotes.

Submission:

Women's Health and Genetics/Laboratory Corporation of America, LabCorp
Classification: Uncertain significance. Last evaluated: 2026-03-09. Review status: criteria provided, single submitter. Criteria: LabCorp Variant Classification Summary - May 2015. Collection method: clinical testing. Allele origin: germline.
Comment: Variant summary: ANG c.233A>G (p.Lys78Arg) results in a conservative amino acid change in the encoded protein sequence. Algorithms developed to predict the effect of missense changes on protein structure and function all suggest that this variant is likely to be tolerated. The variant allele was found at a frequency of 8e-06 in 251496 control chromosomes. The available data on variant occurrences in the general population are insufficient to allow any conclusion about variant significance. To our knowledge, c.233A>G has not been observed in individual(s) affected with Amyotrophic Lateral Sclerosis Type 9 and no experimental evidence demonstrating an impact on protein function have been reported. The following publication has been ascertained in the context of this evaluation (PMID: 22190368). No submitters have cited clinical-significance assessments for this variant to ClinVar. Based on the evidence outlined above, the variant was classified as uncertain significance.

Literature cited by the submitters: PubMed 22190368.

NM_001097577.3(ANG):c.233A>G (p.Lys78Arg)

Genes: ANG (angiogenin; plus strand), EGILA (EGFR interacting lncRNA; minus strand), RNASE4 (ribonuclease A family member 4; plus strand). Cytogenetic location: 14q11.2.
Variant type: single nucleotide variant.
Coding change: c.233A>G on transcript NM_001097577.3 (MANE Select); coding-DNA position 233, A replaced by G.
Protein change: p.Lys78Arg; replaces lysine 78 with arginine.
Molecular consequence: missense variant. On other transcripts: intron variant (4).
Genome position (GRCh38, 1-based): chr14:20,693,797, A>G. VCF-style: chr14-20693797-A-G. GRCh37 (hg19) VCF-style: chr14-21161956-A-G.
Other names: c.233A>G, p.Lys78Arg (NM_001145.4, NM_001385271.1, NM_001385272.1 and 2 more transcripts); c.-18+147A>G (NM_001282192.2); c.-17-5558A>G (NM_002937.5, NM_001282193.2); c.-18+4923A>G (NM_194431.3); short protein forms K78R.
Identifiers: ClinVar variation 4847405 (VCV004847405.1).